The following is an entry in ClinVar:

ClinVar aggregate classification (germline): Uncertain significance (1 of 4 stars; one submission).

Conditions:
Familial thoracic aortic aneurysm and aortic dissection (TAAD). Also called: Thoracic aortic aneurysms and dissections. Identifiers: Orphanet 91387, MedGen C4707243, MONDO:0019625.

Submission:

Color Diagnostics, LLC DBA Color Health
Classification: Uncertain significance for Familial thoracic aortic aneurysm and aortic dissection. Last evaluated: 2025-06-09. Review status: criteria provided, single submitter. Criteria: ACMG Guidelines, 2015. Collection method: clinical testing. Allele origin: germline.
Comment: This missense variant replaces alanine with valine at codon 1129 of the COL3A1 protein. Computational prediction suggests that this variant may not impact protein structure and function. To our knowledge, functional studies have not been reported for this variant. This variant has not been reported in individuals affected with COL3A1-related disorders in the literature. This variant has not been identified in the general population by the Genome Aggregation Database (gnomAD). The available evidence is insufficient to determine the role of this variant in disease conclusively. Therefore, this variant is classified as a Variant of Uncertain Significance.

NM_000090.4(COL3A1):c.3386C>T (p.Ala1129Val)

Gene: COL3A1 (collagen type III alpha 1 chain; plus strand). Cytogenetic location: 2q32.2.
Variant type: single nucleotide variant.
Coding change: c.3386C>T on transcript NM_000090.4 (MANE Select); coding-DNA position 3386, C replaced by T.
Protein change: p.Ala1129Val; replaces alanine 1129 with valine.
Molecular consequence: missense variant.
Genome position (GRCh38, 1-based): chr2:189,007,907, C>T. VCF-style: chr2-189007907-C-T. GRCh37 (hg19) VCF-style: chr2-189872633-C-T.
Other names: short protein forms A1129V.
Identifiers: ClinVar variation 4757348 (VCV004757348.1).